The following is an entry in ClinVar:

NM_001429.4(EP300):c.730A>T (p.Met244Leu)

Gene: EP300 (EP300 lysine acetyltransferase; plus strand). Cytogenetic location: 22q13.2.
Variant type: single nucleotide variant.
Coding change: c.730A>T on transcript NM_001429.4 (MANE Select); coding-DNA position 730, A replaced by T.
Protein change: p.Met244Leu; replaces methionine 244 with leucine.
Molecular consequence: missense variant.
Genome position (GRCh38, 1-based): chr22:41,125,864, A>T. VCF-style: chr22-41125864-A-T. GRCh37 (hg19) VCF-style: chr22-41521868-A-T.
Other names: c.730A>T, p.Met244Leu (NM_001362843.2); short protein forms M244L.
Identifiers: ClinVar variation 3275605 (VCV003275605.4).

ClinVar aggregate classification (germline): Conflicting classifications of pathogenicity. Review status: criteria provided, conflicting classifications (1 of 4 stars). 3 submissions from 3 submitters: Uncertain significance (2); Likely benign (1). Last evaluated 2025-07-24.

Conditions:
EP300-related disorder. Also called: EP300-related condition; EP300-related disorders.
Rubinstein-Taybi syndrome due to EP300 haploinsufficiency. Also called: EP300-Related Rubinstein-Taybi Syndrome; RUBINSTEIN-TAYBI SYNDROME 2. Identifiers: Orphanet 353284, Orphanet 783, MedGen C3150941, MONDO:0013364, OMIM 613684.
Inborn genetic diseases. Identifiers: MedGen C0950123, MeSH D030342.

gnomAD v4.1: 5 of 1,613,948 alleles (0.00031%); highest among the groups gnomAD compares: Admixed American, 0.0067%; no homozygotes.

Submissions (3):

PreventionGenetics, part of Exact Sciences
Classification: Uncertain significance for EP300-related condition. Last evaluated: 2025-07-24. Review status: criteria provided, single submitter. Criteria: ACMG Guidelines, 2015. Collection method: clinical testing. Allele origin: germline.
Comment: The EP300 c.730A>T variant is predicted to result in the amino acid substitution p.Met244Leu. To our knowledge, this variant has not been reported in the literature. This variant is reported in 0.0058% of alleles in individuals of Latino descent in gnomAD. At this time, the clinical significance of this variant is uncertain due to the absence of conclusive functional and genetic evidence.

Labcorp Genetics (formerly Invitae), Labcorp
Classification: Uncertain significance for Rubinstein-Taybi syndrome due to EP300 haploinsufficiency. Last evaluated: 2025-02-02. Review status: criteria provided, single submitter. Criteria: Invitae Variant Classification Sherloc (09022015). Collection method: clinical testing. Allele origin: germline.
Comment: This sequence change replaces methionine, which is neutral and non-polar, with leucine, which is neutral and non-polar, at codon 244 of the EP300 protein (p.Met244Leu). This variant is present in population databases (rs201264432, gnomAD 0.006%). This variant has not been reported in the literature in individuals affected with EP300-related conditions. ClinVar contains an entry for this variant (Variation ID: 3275605). Experimental studies and prediction algorithms are not available or were not evaluated, and the functional significance of this variant is currently unknown. In summary, the available evidence is currently insufficient to determine the role of this variant in disease. Therefore, it has been classified as a Variant of Uncertain Significance.

Ambry Genetics
Classification: Likely benign for Inborn genetic diseases. Last evaluated: 2024-05-13. Review status: criteria provided, single submitter. Criteria: Ambry Variant Classification Scheme 2023. Collection method: clinical testing. Allele origin: germline.